The following is an entry in ClinVar:

NM_004789.4(LHX2):c.923G>T (p.Arg308Leu)

Gene: LHX2 (LIM homeobox 2; plus strand). Cytogenetic location: 9q33.3.
Variant type: single nucleotide variant.
Coding change: c.923G>T on transcript NM_004789.4 (MANE Select); coding-DNA position 923, G replaced by T.
Protein change: p.Arg308Leu; replaces arginine 308 with leucine.
Molecular consequence: missense variant.
Genome position (GRCh38, 1-based): chr9:124,021,294, G>T. VCF-style: chr9-124021294-G-T. GRCh37 (hg19) VCF-style: chr9-126783573-G-T.
Other names: short protein forms R308L.
Identifiers: ClinVar variation 4857463 (VCV004857463.1).

ClinVar aggregate classification (germline): Uncertain significance (1 of 4 stars; one submission).

Conditions:
LHX2-associated neurodevelopmental disorder.

Submission:

Institute of Human Genetics, University of Leipzig Medical Center
Classification: Uncertain significance for LHX2-associated neurodevelopmental disorder. Last evaluated: 2026-04-09. Review status: criteria provided, single submitter. Criteria: ACMG Guidelines, 2015. Collection method: clinical testing. Allele origin: unknown. Inheritance: Autosomal dominant inheritance. Affected: yes.
Comment: Criteria applied: PM2,PM1_SUP,PP2,PP3

Literature cited by the submitters: PubMed 37057675.